The following is an entry in ClinVar:

ClinVar aggregate classification (germline): Uncertain significance (1 of 4 stars; one submission).

gnomAD v4.1: 1 of 1,211,547 alleles (0.000083%); highest among the groups gnomAD compares: South Asian, 0.0018%; no homozygotes.

Submission:

GeneDx
Classification: Uncertain significance. Last evaluated: 2025-04-08. Review status: criteria provided, single submitter. Criteria: GeneDx Variant Classification Process June 2021. Collection method: clinical testing. Allele origin: germline. Affected: yes.
Comment: In silico analysis indicates that this missense variant does not alter protein structure/function; Has not been previously published as pathogenic or benign to our knowledge

NM_004606.5(TAF1):c.4988C>G (p.Ala1663Gly)

Gene: TAF1 (TATA-box binding protein associated factor 1; plus strand). Cytogenetic location: Xq13.1.
Variant type: single nucleotide variant.
Coding change: c.4988C>G on transcript NM_004606.5 (MANE Select); coding-DNA position 4988, C replaced by G.
Protein change: p.Ala1663Gly; replaces alanine 1663 with glycine.
Molecular consequence: missense variant. On other transcripts: non-coding transcript variant (9).
Genome position (GRCh38, 1-based): chrX:71,458,290, C>G. VCF-style: chrX-71458290-C-G. GRCh37 (hg19) VCF-style: chrX-70678140-C-G.
Other names: c.4988C>G, p.Ala1663Gly (NM_001440852.1, NM_001440853.1); c.4925C>G, p.Ala1642Gly (NM_001440854.1, NM_138923.4); c.4994C>G, p.Ala1665Gly (NM_001286074.2); short protein forms A1642G, A1663G, A1665G.
Identifiers: ClinVar variation 4281773 (VCV004281773.1).